The following is an entry in ClinVar:

NM_153766.3(KCNJ1):c.983del (p.Thr328fs)

Gene: KCNJ1 (potassium inwardly rectifying channel subfamily J member 1; minus strand). Cytogenetic location: 11q24.3.
Variant type: Deletion.
Coding change: c.983del on transcript NM_153766.3 (MANE Select); coding-DNA position 983, one base deleted (C; older notation c.983delC).
Protein change: p.Thr328fs; shifts the reading frame from threonine 328.
Molecular consequence: frameshift variant.
Genome position (GRCh38, 1-based): chr11:128,839,261, G deleted on the plus strand (C on the coding strand, the reverse complement: KCNJ1 is on the minus strand). VCF-style (leftmost placement, unchanged base first): chr11-128839260-TG-T. GRCh37 (hg19) VCF-style: chr11-128709155-TG-T.
Other names: c.1040del, p.Thr347fs (NM_000220.6); c.983del, p.Thr328fs (NM_153764.3, NM_153767.4); c.1034del, p.Thr345fs (NM_153765.3); short protein forms T328fs, T345fs, T347fs.
Identifiers: ClinVar variation 3599153 (VCV003599153.2).

ClinVar aggregate classification (germline): Pathogenic/Likely pathogenic. Review status: criteria provided, multiple submitters, no conflicts (2 of 4 stars). 2 submissions from 2 submitters: Pathogenic (1); Likely pathogenic (1). Last evaluated 2025-02-06.

Conditions:
Bartter disease type 2. Also called: HYPOKALEMIC ALKALOSIS WITH HYPERCALCIURIA 2, ANTENATAL; Bartter syndrome, type 2, antenatal; HYPERPROSTAGLANDIN E SYNDROME 2. Identifiers: Orphanet 112, Orphanet 620220, MedGen C1855849, MONDO:0009424, OMIM 241200.

Submissions (2):

Labcorp Genetics (formerly Invitae), Labcorp
Classification: Pathogenic. Last evaluated: 2025-02-06. Review status: criteria provided, single submitter. Criteria: Invitae Variant Classification Sherloc (09022015). Collection method: clinical testing. Allele origin: germline.
Comment: This sequence change creates a premature translational stop signal (p.Thr347Lysfs*23) in the KCNJ1 gene. While this is not anticipated to result in nonsense mediated decay, it is expected to disrupt the last 45 amino acid(s) of the KCNJ1 protein. This variant is not present in population databases (gnomAD no frequency). This variant has not been reported in the literature in individuals affected with KCNJ1-related conditions. This variant disrupts a region of the KCNJ1 protein in which other variant(s) (p.His354Serfs*8) have been determined to be pathogenic (PMID: 11318951). This suggests that this is a clinically significant region of the protein, and that variants that disrupt it are likely to be disease-causing. For these reasons, this variant has been classified as Pathogenic.

Fulgent Genetics
Classification: Likely pathogenic for Bartter disease type 2. Last evaluated: 2024-06-21. Review status: criteria provided, single submitter. Criteria: ACMG Guidelines, 2015. Collection method: clinical testing. Allele origin: germline.

Literature cited by the submitters: PubMed 11318951 (cited by Labcorp Genetics (formerly Invitae), Labcorp).